The following is an entry in ClinVar:

NM_001040108.2(MLH3):c.2243G>A (p.Ser748Asn)

Gene: MLH3 (mutL homolog 3; minus strand). Cytogenetic location: 14q24.3.
Variant type: single nucleotide variant.
Coding change: c.2243G>A on transcript NM_001040108.2 (MANE Select); coding-DNA position 2243, G replaced by A.
Protein change: p.Ser748Asn; replaces serine 748 with asparagine.
Molecular consequence: missense variant.
Genome position (GRCh38, 1-based): chr14:75,047,413, C>T on the plus strand (G>A on the coding strand, the complement: MLH3 is on the minus strand). VCF-style: chr14-75047413-C-T. GRCh37 (hg19) VCF-style: chr14-75514116-C-T.
Other names: c.2243G>A, p.Ser748Asn (NM_014381.3); short protein forms S748N.
Identifiers: ClinVar variation 5024594 (VCV005024594.1).

ClinVar aggregate classification (germline): Uncertain significance (1 of 4 stars; one submission).

Submission:

Ambry Genetics
Classification: Uncertain significance. Last evaluated: 2026-07-15. Review status: criteria provided, single submitter. Criteria: Ambry Variant Classification Scheme 2023. Collection method: clinical testing. Allele origin: germline.
Comment: The p.S748N variant (also known as c.2243G>A), located in coding exon 1 of the MLH3 gene, results from a G to A substitution at nucleotide position 2243. The serine at codon 748 is replaced by asparagine, an amino acid with highly similar properties. This amino acid position is conserved. In addition, this alteration is predicted to be tolerated by in silico analysis. Based on the available evidence, the clinical significance of this variant remains unclear.